The following is an entry in ClinVar:

ClinVar aggregate classification (germline): Likely benign. Review status: criteria provided, multiple submitters, no conflicts (2 of 4 stars). 7 submissions from 7 submitters: Likely benign (6). 1 of the submissions does not count toward it. Last evaluated 2025-11-18.

Conditions:
Meacham syndrome. Also called: Meacham Winn Culler syndrome. Identifiers: Orphanet 3097, MedGen C1837026, MONDO:0012164, OMIM 608978.
Mesothelioma, malignant (MESOM). Also called: Malignant mesothelioma (disease). Identifiers: Orphanet 50251, MedGen C0345967, MONDO:0006292, OMIM 156240, HP:0100001.
Aniridia 1 (AN1). Identifiers: Orphanet 250923, MedGen C0344542, MONDO:0024507, OMIM 106210.
Frasier syndrome. Identifiers: Orphanet 347, MedGen C0950122, MeSH D052159, MONDO:0007635, OMIM 136680.
Drash syndrome (DDS). Also called: WILMS TUMOR AND PSEUDO- OR TRUE HERMAPHRODITISM; NEPHROPATHY, WILMS TUMOR, AND GENITAL ANOMALIES. Identifiers: Orphanet 220, MedGen C0950121, MONDO:0008682, OMIM 194080.
Nephrotic syndrome, type 4 (NPHS4). Also called: Familial mesangial sclerosis; Nephrotic syndrome, early onset with diffuse mesangial sclerosis. Identifiers: Orphanet 656, MedGen C3151568, MONDO:0009733, OMIM 256370.
Wilms tumor 1 (WT1). Also called: Wilms tumor, somatic. Identifiers: Orphanet 654, MedGen CN033288, MONDO:0008679, OMIM 194070.
11p partial monosomy syndrome (WAGR). Also called: WAGR Spectrum Disorder; WAGR syndrome; WAGR Complex; CHROMOSOME 11p13 DELETION SYNDROME. Identifiers: Orphanet 893, MedGen C0206115, MONDO:0008681, OMIM 194072.
Inborn genetic diseases. Identifiers: MedGen C0950123, MeSH D030342.
WT1-related disorder. Also called: WT1-related disorders. Identifiers: MedGen CN377814.
Hereditary cancer-predisposing syndrome. Also called: Neoplastic Syndromes, Hereditary; Tumor predisposition; Hereditary neoplastic syndrome; Hereditary Cancer Syndrome. Identifiers: Orphanet 140162, MedGen C0027672, MeSH D009386, MONDO:0015356.

Allele frequency attached by ClinVar (database versions not stated): gnomAD 0.00001 and 0.00003; gnomAD exomes 0.00002; TOPMed 0.00005; 1000 Genomes Project 30x 0.00016; 1000 Genomes Project 0.00020.
gnomAD v4.1: 36 of 1,530,300 alleles (0.0024%); highest among the groups gnomAD compares: Non-Finnish European, 0.0029%; no homozygotes.

Submissions (7):

Labcorp Genetics (formerly Invitae), Labcorp
Classification: Likely benign for Wilms tumor 1; Drash syndrome; 11p partial monosomy syndrome; Frasier syndrome. Last evaluated: 2025-11-18. Review status: criteria provided, single submitter. Criteria: Invitae Variant Classification Sherloc (09022015). Collection method: clinical testing. Allele origin: germline.

Ambry Genetics
Classification: Likely benign for Inborn genetic diseases. Last evaluated: 2024-10-02. Review status: criteria provided, single submitter. Criteria: Ambry Variant Classification Scheme 2023. Collection method: clinical testing. Allele origin: germline.

Blueprint Genetics
Classification: Likely benign. Last evaluated: 2023-05-16. Review status: criteria provided, single submitter. Criteria: ACMG Guidelines, 2015. Collection method: clinical testing. Allele origin: germline.

CeGaT Center for Human Genetics Tuebingen
Classification: Likely benign. Last evaluated: 2023-03-01. Review status: criteria provided, single submitter. Criteria: CeGaT Center For Human Genetics Tuebingen Variant Classification Criteria Version 2. Collection method: clinical testing. Allele origin: germline. Affected: yes. Observed: 1 variant allele.
Comment: WT1: BP4, BP7

Fulgent Genetics
Classification: Likely benign for Aniridia 1; Frasier syndrome; Mesothelioma, malignant; Wilms tumor 1; 11p partial monosomy syndrome; Drash syndrome; Nephrotic syndrome, type 4; Meacham syndrome. Last evaluated: 2022-03-29. Review status: criteria provided, single submitter. Criteria: ACMG Guidelines, 2015. Collection method: clinical testing. Allele origin: unknown.

Sema4
Classification: Likely benign for Hereditary cancer-predisposing syndrome. Last evaluated: 2021-03-23. Review status: criteria provided, single submitter. Criteria: Sema4 Curation Guidelines. Collection method: curation. Allele origin: germline.

PreventionGenetics, part of Exact Sciences
Classification: Likely benign for WT1-related condition. Last evaluated: 2023-01-27. Review status: no assertion criteria provided. Collection method: clinical testing. Allele origin: germline. Not counted in ClinVar's aggregate classification.
Comment: This variant is classified as likely benign based on ACMG/AMP sequence variant interpretation guidelines (Richards et al. 2015 PMID: 25741868, with internal and published modifications).

NM_024426.6(WT1):c.27G>A (p.Pro9=)

Genes: WT1 (WT1 transcription factor; minus strand), LOC107982234 (WT1/WT1-AS bi-directional promoter region; plus strand). Cytogenetic location: 11p13.
Variant type: single nucleotide variant.
Coding change: c.27G>A on transcript NM_024426.6 (MANE Select); coding-DNA position 27, G replaced by A.
Protein change: p.Pro9=; no amino-acid change (proline 9 retained).
Molecular consequence: synonymous variant. On other transcripts: non-coding transcript variant (1).
Genome position (GRCh38, 1-based): chr11:32,435,334, C>T on the plus strand (G>A on the coding strand, the complement: WT1 is on the minus strand). VCF-style: chr11-32435334-C-T. GRCh37 (hg19) VCF-style: chr11-32456880-C-T.
Other names: c.27G>A, p.Pro9= (NM_000378.6, NM_024424.5).
Identifiers: ClinVar variation 695998 (VCV000695998.40), dbSNP rs556835183, ClinGen allele CA219511551.